The following is an entry in ClinVar:

NM_012318.3(LETM1):c.1456del (p.Gln486fs)

Gene: LETM1 (leucine zipper and EF-hand containing transmembrane protein 1; minus strand). Cytogenetic location: 4p16.3.
Variant type: Deletion.
Coding change: c.1456del on transcript NM_012318.3 (MANE Select); coding-DNA position 1456, one base deleted (C; older notation c.1456delC).
Protein change: p.Gln486fs; shifts the reading frame from glutamine 486.
Molecular consequence: frameshift variant.
Genome position (GRCh38, 1-based): chr4:1,823,008, G deleted on the plus strand (C on the coding strand, the reverse complement: LETM1 is on the minus strand). VCF-style (leftmost placement, unchanged base first): chr4-1823007-TG-T. GRCh37 (hg19) VCF-style: chr4-1824734-TG-T.
Other names: c.1456delC (NM_012318.3); short protein forms Q486fs.
Identifiers: ClinVar variation 4849458 (VCV004849458.1).

ClinVar aggregate classification (germline): Likely pathogenic (1 of 4 stars; one submission).

Conditions:
Neurodegeneration, childhood-onset, with multisystem involvement due to mitochondrial dysfunction. Identifiers: MedGen C5774240, MONDO:0859304, OMIM 620089.

Submission:

First Genomix Gene Laboratory, Genetic Diagnostics Department
Classification: Likely pathogenic for Neurodegeneration, childhood-onset, with multisystem involvement due to mitochondrial dysfunction. Last evaluated: 2025-06-25. Review status: criteria provided, single submitter. Criteria: ACMG Guidelines, 2015. Collection method: clinical testing. Allele origin: germline. Inheritance: Autosomal recessive inheritance. Affected: no.